The following is an entry in ClinVar:

ClinVar aggregate classification (germline): Likely pathogenic (1 of 4 stars; one submission).

Conditions:
Autosomal recessive limb-girdle muscular dystrophy. Identifiers: Orphanet 102015, MedGen C2931907, MONDO:0015152.

Allele frequency attached by ClinVar (database versions not stated): gnomAD exomes below 0.00001.
gnomAD v4.1: 2 of 1,532,152 alleles (0.00013%); highest among the groups gnomAD compares: East Asian, 0.0027%; no homozygotes.

Submission:

Myriad Genetics, Inc.
Classification: Likely pathogenic for Autosomal recessive limb-girdle muscular dystrophy. Last evaluated: 2019-06-01. Review status: criteria provided, single submitter. Criteria: Myriad Autosomal Dominant, Autosomal Recessive and X-Linked Classification Criteria (2023). Collection method: clinical testing. Allele origin: unknown.
Comment: NM_003494.3(DYSF):c.1955G>A(W652*) is expected to be pathogenic in the context of dysferlinopathy. This variant is predicted to lead to an abnormal or absent protein product due to the creation of a premature termination codon in DYSF, a gene where loss-of-function variants are known to be pathogenic. Please note: this variant was assessed in the context of healthy population screening.

NM_001130987.2(DYSF):c.2009G>A (p.Trp670Ter)

Gene: DYSF (dysferlin; plus strand). Cytogenetic location: 2p13.2.
Variant type: single nucleotide variant.
Coding change: c.2009G>A on transcript NM_001130987.2 (MANE Select); coding-DNA position 2009, G replaced by A.
Protein change: p.Trp670Ter; replaces tryptophan 670 with a stop codon.
Molecular consequence: nonsense.
Genome position (GRCh38, 1-based): chr2:71,553,831, G>A. VCF-style: chr2-71553831-G-A. GRCh37 (hg19) VCF-style: chr2-71780961-G-A.
Other names: c.1913G>A, p.Trp638Ter (NM_001130977.2, NM_001130976.2); c.1955G>A, p.Trp652Ter (NM_001130978.2, NM_003494.4); c.2048G>A, p.Trp683Ter (NM_001130979.2); c.2006G>A, p.Trp669Ter (NM_001130980.2, NM_001130981.2); c.2051G>A, p.Trp684Ter (NM_001130982.2); c.1958G>A, p.Trp653Ter (NM_001130983.2, NM_001130455.2); c.1916G>A, p.Trp639Ter (NM_001130984.2, NM_001130986.2); c.2009G>A, p.Trp670Ter (NM_001130985.2); short protein forms W638*, W639*, W652*, W653*, W669*, W670*, W683*, W684*.
Identifiers: ClinVar variation 984235 (VCV000984235.4), dbSNP rs2091142154, ClinGen allele CA347218841.